The following is an entry in ClinVar:

NM_015346.4(ZFYVE26):c.4027A>G (p.Arg1343Gly)

Gene: ZFYVE26 (zinc finger FYVE-type containing 26; minus strand). Cytogenetic location: 14q24.1.
Variant type: single nucleotide variant.
Coding change: c.4027A>G on transcript NM_015346.4 (MANE Select); coding-DNA position 4027, A replaced by G.
Protein change: p.Arg1343Gly; replaces arginine 1343 with glycine.
Molecular consequence: missense variant.
Genome position (GRCh38, 1-based): chr14:67,783,125, T>C on the plus strand (A>G on the coding strand, the complement: ZFYVE26 is on the minus strand). VCF-style: chr14-67783125-T-C. GRCh37 (hg19) VCF-style: chr14-68249842-T-C.
Other names: short protein forms R1343G.
Identifiers: ClinVar variation 1163953 (VCV001163953.13), dbSNP rs777319379, ClinGen allele CA7239853.

ClinVar aggregate classification (germline): Uncertain significance. Review status: criteria provided, multiple submitters, no conflicts (2 of 4 stars). 4 submissions from 4 submitters: Uncertain significance (4). Last evaluated 2025-12-09.

Conditions:
Hereditary spastic paraplegia. Also called: Familial spastic paraparesis. Identifiers: Orphanet 685, MedGen C0037773, MONDO:0019064. Disease mechanism: loss of function.
Inborn genetic diseases. Identifiers: MedGen C0950123, MeSH D030342.
Spastic paraplegia. Identifiers: MedGen C0037772, HP:0001258.

Allele frequency attached by ClinVar (database versions not stated): gnomAD exomes 0.00002 and 0.00003; TOPMed 0.00002; ExAC 0.00003.
gnomAD v4.1: 30 of 1,608,976 alleles (0.0019%); highest among the groups gnomAD compares: Non-Finnish European, 0.0026%; 1 homozygote.

Submissions (4):

Ambry Genetics
Classification: Uncertain significance for Inborn genetic diseases. Last evaluated: 2025-12-09. Review status: criteria provided, single submitter. Criteria: Ambry Variant Classification Scheme 2023. Collection method: clinical testing. Allele origin: germline.

Labcorp Genetics (formerly Invitae), Labcorp
Classification: Uncertain significance for Spastic paraplegia. Last evaluated: 2024-03-08. Review status: criteria provided, single submitter. Criteria: Invitae Variant Classification Sherloc (09022015). Collection method: clinical testing. Allele origin: germline.
Comment: This sequence change replaces arginine, which is basic and polar, with glycine, which is neutral and non-polar, at codon 1343 of the ZFYVE26 protein (p.Arg1343Gly). This variant is present in population databases (rs777319379, gnomAD 0.005%). This variant has not been reported in the literature in individuals affected with ZFYVE26-related conditions. ClinVar contains an entry for this variant (Variation ID: 1163953). An algorithm developed to predict the effect of missense changes on protein structure and function (PolyPhen-2) suggests that this variant is likely to be disruptive. In summary, the available evidence is currently insufficient to determine the role of this variant in disease. Therefore, it has been classified as a Variant of Uncertain Significance.

Mayo Clinic Laboratories, Mayo Clinic
Classification: Uncertain significance. Last evaluated: 2020-03-09. Review status: criteria provided, single submitter. Criteria: ACMG Guidelines, 2015. Collection method: clinical testing. Allele origin: germline. Observed: 1 variant allele.

Genome Diagnostics Laboratory, The Hospital for Sick Children
Classification: Uncertain significance for Hereditary spastic paraplegia. Last evaluated: 2016-12-12. Review status: criteria provided, single submitter. Criteria: ACMG Guidelines, 2015. Collection method: clinical testing. Allele origin: germline. Affected: yes.